The following is an entry in ClinVar:

NM_000059.4(BRCA2):c.980A>C (p.Lys327Thr)

Gene: BRCA2 (BRCA2 DNA repair associated; plus strand). Cytogenetic location: 13q13.1.
Variant type: single nucleotide variant.
Coding change: c.980A>C on transcript NM_000059.4 (MANE Select); coding-DNA position 980, A replaced by C.
Protein change: p.Lys327Thr; replaces lysine 327 with threonine.
Molecular consequence: missense variant.
Genome position (GRCh38, 1-based): chr13:32,332,458, A>C. VCF-style: chr13-32332458-A-C. GRCh37 (hg19) VCF-style: chr13-32906595-A-C.
Other names: short protein forms K327T.
Identifiers: ClinVar variation 629301 (VCV000629301.8), dbSNP rs1566222524, ClinGen allele CA387760954.

ClinVar aggregate classification (germline): Conflicting classifications of pathogenicity. Review status: criteria provided, conflicting classifications (1 of 4 stars). 3 submissions from 3 submitters: Uncertain significance (2); Likely benign (1). Last evaluated 2023-12-05.

Conditions:
Hereditary cancer-predisposing syndrome. Also called: Neoplastic Syndromes, Hereditary; Tumor predisposition; Hereditary neoplastic syndrome; Hereditary Cancer Syndrome. Identifiers: Orphanet 140162, MedGen C0027672, MeSH D009386, MONDO:0015356.

Submissions (3):

Color Diagnostics, LLC DBA Color Health
Classification: Uncertain significance for Hereditary cancer-predisposing syndrome. Last evaluated: 2023-12-05. Review status: criteria provided, single submitter. Criteria: ACMG Guidelines, 2015. Collection method: clinical testing. Allele origin: germline.
Comment: This missense variant replaces lysine with threonine at codon 327 of the BRCA2 protein. Computational prediction suggests that this variant may not impact protein structure and function (internally defined REVEL score threshold <= 0.5, PMID: 27666373). To our knowledge, functional studies have not been reported for this variant. This variant has not been reported in individuals affected with BRCA2-related disorders in the literature. This variant has not been identified in the general population by the Genome Aggregation Database (gnomAD). The available evidence is insufficient to determine the role of this variant in disease conclusively. Therefore, this variant is classified as a Variant of Uncertain Significance.

Ambry Genetics
Classification: Uncertain significance for Hereditary cancer-predisposing syndrome. Last evaluated: 2023-09-21. Review status: criteria provided, single submitter. Criteria: Ambry Variant Classification Scheme 2023. Collection method: clinical testing. Allele origin: germline.
Comment: The p.K327T variant (also known as c.980A>C), located in coding exon 9 of the BRCA2 gene, results from an A to C substitution at nucleotide position 980. The lysine at codon 327 is replaced by threonine, an amino acid with similar properties. This amino acid position is conserved. In addition, this alteration is predicted to be tolerated by in silico analysis. Since supporting evidence is limited at this time, the clinical significance of this alteration remains unclear.

University of Washington Department of Laboratory Medicine, University of Washington
Classification: Likely benign for Hereditary cancer-predisposing syndrome. Last evaluated: 2023-03-23. Review status: criteria provided, single submitter. Criteria: Dines et al. (Genet Med. 2020). Collection method: curation. Allele origin: germline.
Comment: Missense variant in a coldspot region where missense variants are very unlikely to be pathogenic (PMID:31911673).

BRCA2 exon 10 coldspot. Reclassification based on statistical prior probability.